The following is an entry in ClinVar:

NM_002971.6(SATB1):c.259A>G (p.Ile87Val)

Gene: SATB1 (SATB homeobox 1; minus strand). Cytogenetic location: 3p24.3.
Variant type: single nucleotide variant.
Coding change: c.259A>G on transcript NM_002971.6 (MANE Select); coding-DNA position 259, A replaced by G.
Protein change: p.Ile87Val; replaces isoleucine 87 with valine.
Molecular consequence: missense variant.
Genome position (GRCh38, 1-based): chr3:18,417,031, T>C on the plus strand (A>G on the coding strand, the complement: SATB1 is on the minus strand). VCF-style: chr3-18417031-T-C. GRCh37 (hg19) VCF-style: chr3-18458523-T-C.
Other names: c.259A>G, p.Ile87Val (NM_001131010.4, NM_001195470.3, NM_001322871.2 and 4 more transcripts); c.43A>G, p.Ile15Val (NM_001322876.2); short protein forms I15V, I87V.
Identifiers: ClinVar variation 2431895 (VCV002431895.1), dbSNP rs1450200788, ClinGen allele CA351861875.

ClinVar aggregate classification (germline): Uncertain significance (1 of 4 stars; one submission).

Conditions:
Developmental delay with dysmorphic facies and dental anomalies. Identifiers: MedGen C5543197, MONDO:0030988, OMIM 619228.

Allele frequency attached by ClinVar (database versions not stated): gnomAD exomes below 0.00001.
gnomAD v4.1: 2 of 1,613,562 alleles (0.00012%); highest among the groups gnomAD compares: Admixed American, 0.0017%; no homozygotes.

Submission:

Laboratorio de Genetica e Diagnostico Molecular, Hospital Israelita Albert Einstein
Classification: Uncertain significance for Developmental delay with dysmorphic facies and dental anomalies. Last evaluated: 2022-09-08. Review status: criteria provided, single submitter. Criteria: ACMG Guidelines, 2015. Collection method: clinical testing. Allele origin: germline. Affected: yes. Observed: 1 variant allele.
Comment: ACMG classification criteria: PM2 supporting, BP4 supporting